The following is an entry in ClinVar:

NM_001267550.2(TTN):c.45798T>C (p.Ile15266=)

Gene: TTN (titin; minus strand). Cytogenetic location: 2q31.2.
Variant type: single nucleotide variant.
Coding change: c.45798T>C on transcript NM_001267550.2 (MANE Select); coding-DNA position 45798, T replaced by C.
Protein change: p.Ile15266=; no amino-acid change (isoleucine 15266 retained).
Molecular consequence: synonymous variant.
Genome position (GRCh38, 1-based): chr2:178,620,812, A>G on the plus strand (T>C on the coding strand, the complement: TTN is on the minus strand). VCF-style: chr2-178620812-A-G. GRCh37 (hg19) VCF-style: chr2-179485539-A-G.
Other names: c.40875T>C, p.Ile13625= (NM_001256850.1); c.18603T>C, p.Ile6201= (NM_003319.4); c.38094T>C, p.Ile12698= (NM_133378.4); c.18978T>C, p.Ile6326= (NM_133432.3); c.19179T>C, p.Ile6393= (NM_133437.4).
Identifiers: ClinVar variation 2925786 (VCV002925786.25), dbSNP rs1051419728, ClinGen allele CA60993655.
Genomic context (GRCh38, chr2:178,620,812, plus strand): 5'-ACCTCTGTGATTGGTCAAAGACACATTATAGTTGGCTTGGTCATCTAAGTGTGCATCTCT[A>G]ATTCTGAGGGTGTAGACTAGGTCTTTTTGGAGAATGATGTATTTTGAACTATCAAATATA-3'
Protein context (NP_001254479.2, residues 15256-15276): LQKDLVYTLR[Ile15266=]RDAHLDDQAN

ClinVar aggregate classification (germline): Likely benign. Review status: criteria provided, multiple submitters, no conflicts (2 of 4 stars). 2 submissions from 2 submitters: Likely benign (2). Last evaluated 2024-02-01.

Conditions:
Dilated cardiomyopathy 1G (CMD1G). Identifiers: Orphanet 154, MedGen C1858763, MONDO:0011400, OMIM 604145.
Autosomal recessive limb-girdle muscular dystrophy type 2J (LGMDR10). Also called: Limb-girdle muscular dystrophy, type 2J; MUSCULAR DYSTROPHY, LIMB-GIRDLE, AUTOSOMAL RECESSIVE 10. Identifiers: Orphanet 140922, MedGen C1837342, MONDO:0012127, OMIM 608807.

Allele frequency attached by ClinVar (database versions not stated): gnomAD exomes below 0.00001.
gnomAD v4.1: 2 of 1,612,756 alleles (0.00012%); highest among the groups gnomAD compares: Middle Eastern, 0.017%; no homozygotes.

Submissions (2):

CeGaT Center for Human Genetics Tuebingen
Classification: Likely benign. Last evaluated: 2024-02-01. Review status: criteria provided, single submitter. Criteria: CeGaT Center For Human Genetics Tuebingen Variant Classification Criteria Version 2. Collection method: clinical testing. Allele origin: germline. Affected: yes. Observed: 1 variant allele.
Comment: TTN: BP4, BP7

Labcorp Genetics (formerly Invitae), Labcorp
Classification: Likely benign for Dilated cardiomyopathy 1G; Autosomal recessive limb-girdle muscular dystrophy type 2J. Last evaluated: 2023-06-25. Review status: criteria provided, single submitter. Criteria: Invitae Variant Classification Sherloc (09022015). Collection method: clinical testing. Allele origin: germline.